The following is an entry in ClinVar:

NM_001379500.1(COL18A1):c.1387C>T (p.His463Tyr)

Gene: COL18A1 (collagen type XVIII alpha 1 chain; plus strand). Cytogenetic location: 21q22.3.
Variant type: single nucleotide variant.
Coding change: c.1387C>T on transcript NM_001379500.1 (MANE Select); coding-DNA position 1387, C replaced by T.
Protein change: p.His463Tyr; replaces histidine 463 with tyrosine.
Molecular consequence: missense variant.
Genome position (GRCh38, 1-based): chr21:45,480,145, C>T. VCF-style: chr21-45480145-C-T. GRCh37 (hg19) VCF-style: chr21-46900059-C-T.
Other names: NM_130445.2:c.1387C>T; c.1927C>T, p.His643Tyr (NM_030582.4); c.2632C>T, p.His878Tyr (NM_130444.3); short protein forms H878Y, H643Y, H463Y.
Identifiers: ClinVar variation 1431943 (VCV001431943.5), dbSNP rs376357877, ClinGen allele CA10066270.

ClinVar aggregate classification (germline): Uncertain significance. Review status: criteria provided, multiple submitters, no conflicts (2 of 4 stars). 2 submissions from 2 submitters: Uncertain significance (2). Last evaluated 2025-02-08.

Conditions:
Inborn genetic diseases. Identifiers: MedGen C0950123, MeSH D030342.

Allele frequency attached by ClinVar (database versions not stated): gnomAD exomes 0.00001 and 0.00002; ExAC 0.00003; ESP Exome Variant Server 0.00008.
gnomAD v4.1: 28 of 1,578,920 alleles (0.0018%); highest among the groups gnomAD compares: African/African-American, 0.024%; no homozygotes.

Submissions (2):

Ambry Genetics
Classification: Uncertain significance for Inborn genetic diseases. Last evaluated: 2025-02-08. Review status: criteria provided, single submitter. Criteria: Ambry Variant Classification Scheme 2023. Collection method: clinical testing. Allele origin: germline.

Labcorp Genetics (formerly Invitae), Labcorp
Classification: Uncertain significance. Last evaluated: 2024-10-15. Review status: criteria provided, single submitter. Criteria: Invitae Variant Classification Sherloc (09022015). Collection method: clinical testing. Allele origin: germline.
Comment: This sequence change replaces histidine, which is basic and polar, with tyrosine, which is neutral and polar, at codon 463 of the COL18A1 protein (p.His463Tyr). This variant is present in population databases (rs376357877, gnomAD 0.02%). This variant has not been reported in the literature in individuals affected with COL18A1-related conditions. ClinVar contains an entry for this variant (Variation ID: 1431943). Experimental studies and prediction algorithms are not available or were not evaluated, and the functional significance of this variant is currently unknown. In summary, the available evidence is currently insufficient to determine the role of this variant in disease. Therefore, it has been classified as a Variant of Uncertain Significance.